The following is an entry in ClinVar:

ClinVar aggregate classification (germline): Uncertain significance (1 of 4 stars; one submission).

Conditions:
Focal segmental glomerulosclerosis 5 (FSGS5). Identifiers: Orphanet 656, MedGen C2750475, MONDO:0013191, OMIM 613237.
Charcot-Marie-Tooth disease dominant intermediate E. Also called: CHARCOT-MARIE-TOOTH NEUROPATHY WITH FOCAL SEGMENTAL GLOMERULONEPHRITIS. Identifiers: Orphanet 93114, MedGen C4302667, MONDO:0013758, OMIM 614455.

gnomAD v4.1: 5 of 1,585,796 alleles (0.00032%); highest among the groups gnomAD compares: Non-Finnish European, 0.00034%; no homozygotes.

Submission:

Labcorp Genetics (formerly Invitae), Labcorp
Classification: Uncertain significance for Charcot-Marie-Tooth disease dominant intermediate E; Focal segmental glomerulosclerosis 5. Last evaluated: 2025-09-24. Review status: criteria provided, single submitter. Criteria: Invitae Variant Classification Sherloc (09022015). Collection method: clinical testing. Allele origin: germline.
Comment: This sequence change replaces arginine, which is basic and polar, with tryptophan, which is neutral and slightly polar, at codon 321 of the INF2 protein (p.Arg321Trp). This variant is not present in population databases (gnomAD no frequency). This variant has not been reported in the literature in individuals affected with INF2-related conditions. ClinVar contains an entry for this variant (Variation ID: 3751471). Invitae Evidence Modeling of protein sequence and biophysical properties (such as structural, functional, and spatial information, amino acid conservation, physicochemical variation, residue mobility, and thermodynamic stability) has been performed for this missense variant. However, the output from this modeling did not meet the statistical confidence thresholds required to predict the impact of this variant on INF2 protein function. In summary, the available evidence is currently insufficient to determine the role of this variant in disease. Therefore, it has been classified as a Variant of Uncertain Significance.

NM_022489.4(INF2):c.961C>T (p.Arg321Trp)

Gene: INF2 (inverted formin 2; plus strand). Cytogenetic location: 14q32.33.
Variant type: single nucleotide variant.
Coding change: c.961C>T on transcript NM_022489.4 (MANE Select); coding-DNA position 961, C replaced by T.
Protein change: p.Arg321Trp; replaces arginine 321 with tryptophan.
Molecular consequence: missense variant. On other transcripts: non-coding transcript variant (1).
Genome position (GRCh38, 1-based): chr14:104,707,027, C>T. VCF-style: chr14-104707027-C-T. GRCh37 (hg19) VCF-style: chr14-105173364-C-T.
Other names: c.961C>T, p.Arg321Trp (NM_001031714.4, NM_001426862.1, NM_001426863.1 and 2 more transcripts); short protein forms R321W.
Identifiers: ClinVar variation 3751471 (VCV003751471.2).